The following is an entry in ClinVar:

ClinVar aggregate classification (germline): Uncertain significance. Review status: criteria provided, multiple submitters, no conflicts (2 of 4 stars). 2 submissions from 2 submitters: Uncertain significance (2). Last evaluated 2025-10-22.

Conditions:
Progressive familial heart block type IB (PFHB1B). Identifiers: Orphanet 871, MedGen C1970298, MONDO:0011474, OMIM 604559.
Cardiovascular phenotype. Identifiers: MedGen CN230736.

Allele frequency attached by ClinVar (database versions not stated): gnomAD exomes 0.00002; ExAC 0.00004; gnomAD 0.00009; TOPMed 0.00012.
gnomAD v4.1: 19 of 1,614,086 alleles (0.0012%); highest among the groups gnomAD compares: African/African-American, 0.024%; no homozygotes.

Submissions (2):

Ambry Genetics
Classification: Uncertain significance for Cardiovascular phenotype. Last evaluated: 2025-10-22. Review status: criteria provided, single submitter. Criteria: Ambry Variant Classification Scheme 2023. Collection method: clinical testing. Allele origin: germline.

Labcorp Genetics (formerly Invitae), Labcorp
Classification: Uncertain significance for Progressive familial heart block type IB. Last evaluated: 2025-06-03. Review status: criteria provided, single submitter. Criteria: Invitae Variant Classification Sherloc (09022015). Collection method: clinical testing. Allele origin: germline.
Comment: This sequence change replaces methionine, which is neutral and non-polar, with isoleucine, which is neutral and non-polar, at codon 458 of the TRPM4 protein (p.Met458Ile). This variant is present in population databases (rs750029092, gnomAD 0.03%). This variant has not been reported in the literature in individuals affected with TRPM4-related conditions. ClinVar contains an entry for this variant (Variation ID: 1445873). An algorithm developed to predict the effect of missense changes on protein structure and function (PolyPhen-2) suggests that this variant is likely to be tolerated. In summary, the available evidence is currently insufficient to determine the role of this variant in disease. Therefore, it has been classified as a Variant of Uncertain Significance.

NM_017636.4(TRPM4):c.1374G>T (p.Met458Ile)

Gene: TRPM4 (transient receptor potential cation channel subfamily M member 4; plus strand). Cytogenetic location: 19q13.33.
Variant type: single nucleotide variant.
Coding change: c.1374G>T on transcript NM_017636.4 (MANE Select); coding-DNA position 1374, G replaced by T.
Protein change: p.Met458Ile; replaces methionine 458 with isoleucine.
Molecular consequence: missense variant. On other transcripts: 5 prime UTR variant (1).
Genome position (GRCh38, 1-based): chr19:49,182,688, G>T. VCF-style: chr19-49182688-G-T. GRCh37 (hg19) VCF-style: chr19-49685945-G-T.
Other names: c.1374G>T, p.Met458Ile (NM_001195227.2); c.1029G>T, p.Met343Ile (NM_001321281.2); c.-180G>T (NM_001321282.2); c.852G>T, p.Met284Ile (NM_001321283.2); c.312G>T, p.Met104Ile (NM_001321285.2); short protein forms M343I, M458I, M104I, M284I.
Identifiers: ClinVar variation 1445873 (VCV001445873.9), dbSNP rs750029092, ClinGen allele CA9569180.
Genomic context (GRCh38, chr19:49,182,688, plus strand): 5'-TGAGTTCGTGCGCTTGCTCATTTCCCACGGCCTCAGCCTGGGCCACTTCCTGACCCCGAT[G>T]CGCCTGGCCCAACTCTACAGCGCGGCGCCCTCCAACTCGCTCATCCGCAACCTTTTGGAC-3'
Protein context (NP_060106.2, residues 448-468): GLSLGHFLTP[Met458Ile]RLAQLYSAAP